The following is an entry in ClinVar:

ClinVar aggregate classification (germline): Likely benign. Review status: criteria provided, multiple submitters, no conflicts (2 of 4 stars). 3 submissions from 3 submitters: Likely benign (3). Last evaluated 2026-07-01.

Allele frequency attached by ClinVar (database versions not stated): 1000 Genomes Project 0.00260; 1000 Genomes Project 30x 0.00312; TOPMed 0.00470; gnomAD exomes 0.00539 and 0.00732; ExAC 0.00544; gnomAD 0.00549 and 0.00571; ESP Exome Variant Server 0.00554.
gnomAD v4.1: 11,618 of 1,614,202 alleles (0.72%); highest among the groups gnomAD compares: South Asian, 0.98%; 64 homozygotes.

Submissions (3):

CeGaT Center for Human Genetics Tuebingen
Classification: Likely benign. Last evaluated: 2026-07-01. Review status: criteria provided, single submitter. Criteria: CeGaT Center For Human Genetics Tuebingen Variant Classification Criteria Version 2. Collection method: clinical testing. Allele origin: germline. Affected: yes. Observed: 8 variant alleles.
Comment: NUMA1: BP4, BS2

Labcorp Genetics (formerly Invitae), Labcorp
Classification: Likely benign. Last evaluated: 2019-12-31. Review status: criteria provided, single submitter. Criteria: Invitae Variant Classification Sherloc (09022015). Collection method: clinical testing. Allele origin: germline.

Breakthrough Genomics
Classification: Likely benign. Review status: criteria provided, single submitter. Criteria: ACMG Guidelines, 2015. Collection method: not provided. Allele origin: germline. Inheritance: Unknown mechanism. Affected: yes.

NM_006185.4(NUMA1):c.5506T>C (p.Tyr1836His)

Genes: NUMA1 (nuclear mitotic apparatus protein 1; minus strand), IL18BP (interleukin 18 binding protein; plus strand). Cytogenetic location: 11q13.4.
Variant type: single nucleotide variant.
Coding change: c.5506T>C on transcript NM_006185.4 (MANE Select); coding-DNA position 5506, T replaced by C.
Protein change: p.Tyr1836His; replaces tyrosine 1836 with histidine.
Molecular consequence: missense variant. On other transcripts: non-coding transcript variant (1).
Genome position (GRCh38, 1-based): chr11:72,006,221, A>G on the plus strand (T>C on the coding strand, the complement: NUMA1 is on the minus strand). VCF-style: chr11-72006221-A-G. GRCh37 (hg19) VCF-style: chr11-71717267-A-G.
Other names: c.5464T>C, p.Tyr1822His (NM_001286561.2); short protein forms Y1836H, Y1822H.
Identifiers: ClinVar variation 774210 (VCV000774210.29), dbSNP rs35586429, ClinGen allele CA6166694.